The following is an entry in ClinVar:

NM_201384.3(PLEC):c.11137G>A (p.Gly3713Arg)

Gene: PLEC (plectin; minus strand). Cytogenetic location: 8q24.3.
Variant type: single nucleotide variant.
Coding change: c.11137G>A on transcript NM_201384.3 (MANE Select); coding-DNA position 11137, G replaced by A.
Protein change: p.Gly3713Arg; replaces glycine 3713 with arginine.
Molecular consequence: missense variant.
Genome position (GRCh38, 1-based): chr8:143,918,684, C>T on the plus strand (G>A on the coding strand, the complement: PLEC is on the minus strand). VCF-style: chr8-143918684-C-T. GRCh37 (hg19) VCF-style: chr8-144992852-C-T.
Other names: p.Gly3740Arg; c.11218G>A, p.Gly3740Arg (NM_000445.5); c.11095G>A, p.Gly3699Arg (NM_201378.4); c.11071G>A, p.Gly3691Arg (NM_201379.3); c.11548G>A, p.Gly3850Arg (NM_201380.4); c.11041G>A, p.Gly3681Arg (NM_201381.3); c.11137G>A, p.Gly3713Arg (NM_201382.4); c.11149G>A, p.Gly3717Arg (NM_201383.3); and 1 more; short protein forms G3717R, G3691R, G3699R, G3740R, G3681R, G3713R, G3850R.
Identifiers: ClinVar variation 282185 (VCV000282185.20), dbSNP rs202037264, ClinGen allele CA4924426.

ClinVar aggregate classification (germline): Uncertain significance. Review status: criteria provided, multiple submitters, no conflicts (2 of 4 stars). 8 submissions from 8 submitters: Uncertain significance (8). Last evaluated 2026-02-04.

Conditions:
PLEC-related disorder. Also called: PLEC-related disorders; PLEC-related condition.
Epidermolysis bullosa simplex with nail dystrophy (EBS5D). Identifiers: MedGen C4225309, MONDO:0014661, OMIM 616487.
Autosomal recessive limb-girdle muscular dystrophy type 2Q (LGMDR17). Also called: MUSCULAR DYSTROPHY, LIMB-GIRDLE, AUTOSOMAL RECESSIVE 17. Identifiers: Orphanet 254361, MedGen C3150989, MONDO:0013390, OMIM 613723.
Epidermolysis bullosa simplex 5C, with pyloric atresia (EBS5C). Also called: PLEC-Related Epidermolysis Bullosa with Pyloric Atresia; Epidermolysis bullosa simplex with pyloric atresia; PLEC1-Related Epidermolysis Bullosa with Pyloric Atresia. Identifiers: Orphanet 158684, MedGen C2677349, MONDO:0012807, OMIM 612138.
Epidermolysis bullosa simplex 5B, with muscular dystrophy (EBS5B). Also called: EPIDERMOLYSIS BULLOSA SIMPLEX AND LIMB-GIRDLE MUSCULAR DYSTROPHY; Epidermolysis bullosa simplex with muscular dystrophy. Identifiers: Orphanet 257, MedGen C2931072, MONDO:0009181, OMIM 226670.
Epidermolysis bullosa simplex, Ogna type (EBS5A). Also called: Pidermolysis bullosa simplex 5A, Ogna type; EPIDERMOLYSIS BULLOSA SIMPLEX 5A, OGNA TYPE. Identifiers: Orphanet 79401, MedGen C0432317, MONDO:0007555, OMIM 131950.
Inborn genetic diseases. Identifiers: MedGen C0950123, MeSH D030342.

Allele frequency attached by ClinVar (database versions not stated): gnomAD exomes 0.00006 and 0.00020; gnomAD 0.00007 and 0.00009; TOPMed 0.00012; ExAC 0.00024; ESP Exome Variant Server 0.00025; 1000 Genomes Project 0.00040; 1000 Genomes Project 30x 0.00047.
gnomAD v4.1: 103 of 1,612,958 alleles (0.0064%); highest among the groups gnomAD compares: Admixed American, 0.097%; no homozygotes.

Submissions (8):

PreventionGenetics, part of Exact Sciences
Classification: Uncertain significance for PLEC-related condition. Last evaluated: 2026-02-04. Review status: criteria provided, single submitter. Criteria: ACMG Guidelines, 2015. Collection method: clinical testing. Allele origin: germline.
Comment: The PLEC c.11218G>A variant is predicted to result in the amino acid substitution p.Gly3740Arg. To our knowledge, this variant has not been reported in the literature. This variant is reported in 0.11% of alleles in individuals of Latino descent in gnomAD. Although we suspect that this variant may be benign, at this time, the clinical significance of this variant is uncertain due to the absence of conclusive functional and genetic evidence.

Labcorp Genetics (formerly Invitae), Labcorp
Classification: Uncertain significance for Autosomal recessive limb-girdle muscular dystrophy type 2Q; Epidermolysis bullosa simplex, Ogna type; Epidermolysis bullosa simplex with nail dystrophy; Epidermolysis bullosa simplex 5C, with pyloric atresia; Epidermolysis bullosa simplex 5B, with muscular dystrophy. Last evaluated: 2025-12-15. Review status: criteria provided, single submitter. Criteria: Invitae Variant Classification Sherloc (09022015). Collection method: clinical testing. Allele origin: germline.
Comment: This sequence change replaces glycine, which is neutral and non-polar, with arginine, which is basic and polar, at codon 3740 of the PLEC protein (p.Gly3740Arg). This variant is present in population databases (rs202037264, gnomAD 0.1%). This variant has not been reported in the literature in individuals affected with PLEC-related conditions. ClinVar contains an entry for this variant (Variation ID: 282185). An algorithm developed to predict the effect of missense changes on protein structure and function (PolyPhen-2) suggests that this variant is likely to be disruptive. In summary, the available evidence is currently insufficient to determine the role of this variant in disease. Therefore, it has been classified as a Variant of Uncertain Significance.

Ambry Genetics
Classification: Uncertain significance for Inborn genetic diseases. Last evaluated: 2025-08-24. Review status: criteria provided, single submitter. Criteria: Ambry Variant Classification Scheme 2023. Collection method: clinical testing. Allele origin: germline.

Baylor Genetics
Classification: Uncertain significance for Autosomal recessive limb-girdle muscular dystrophy type 2Q. Last evaluated: 2022-12-28. Review status: criteria provided, single submitter. Criteria: ACMG Guidelines, 2015. Collection method: clinical testing. Allele origin: unknown.

Revvity Omics, Revvity
Classification: Uncertain significance. Last evaluated: 2022-05-13. Review status: criteria provided, single submitter. Criteria: ACMG Guidelines, 2015. Collection method: clinical testing. Allele origin: germline.

Blueprint Genetics
Classification: Uncertain significance. Last evaluated: 2022-04-27. Review status: criteria provided, single submitter. Criteria: ACMG Guidelines, 2015. Collection method: clinical testing. Allele origin: germline.

Mayo Clinic Laboratories, Mayo Clinic
Classification: Uncertain significance. Last evaluated: 2022-03-17. Review status: criteria provided, single submitter. Criteria: ACMG Guidelines, 2015. Collection method: clinical testing. Allele origin: germline. Observed: 1 variant allele.

Eurofins Ntd Llc (ga)
Classification: Uncertain significance. Last evaluated: 2015-07-31. Review status: criteria provided, single submitter. Criteria: EGL Classification Definitions 2015. Collection method: clinical testing. Allele origin: germline. Observed: 2 variant alleles, 2 heterozygotes.